The following is an entry in ClinVar:

NM_002734.5(PRKAR1A):c.902C>T (p.Ala301Val)

Gene: PRKAR1A (protein kinase cAMP-dependent type I regulatory subunit alpha; plus strand). Cytogenetic location: 17q24.2.
Variant type: single nucleotide variant.
Coding change: c.902C>T on transcript NM_002734.5 (MANE Select); coding-DNA position 902, C replaced by T.
Protein change: p.Ala301Val; replaces alanine 301 with valine.
Molecular consequence: missense variant.
Genome position (GRCh38, 1-based): chr17:68,529,930, C>T. VCF-style: chr17-68529930-C-T. GRCh37 (hg19) VCF-style: chr17-66526071-C-T.
Other names: c.902C>T, p.Ala301Val (NM_001276289.2, NM_001276290.1, NM_001278433.2 and 4 more transcripts); short protein forms A301V.
Identifiers: ClinVar variation 2855100 (VCV002855100.3), dbSNP rs2143382904, ClinGen allele CA400754094.
Genomic context (GRCh38, chr17:68,529,930, plus strand): 5'-CTGGGTTTGAGAGTGTGTGTTTGTTTAGCTTTTTGGTGATTTTATTATAGGGGTCAGCTG[C>T]TGTGCTACAACGTCGGTCAGAAAATGAAGAGTTTGTTGAAGTGGGAAGATTGGGGCCTTC-3'
Protein context (NP_002725.1, residues 291-311): EFFIILEGSA[Ala301Val]VLQRRSENEE

ClinVar aggregate classification (germline): Uncertain significance (1 of 4 stars; one submission).

Conditions:
Carney complex, type 1 (CNC1). Also called: CARNEY MYXOMA-ENDOCRINE COMPLEX; CARNEY COMPLEX, TYPE I. Identifiers: Orphanet 1359, MedGen C2607929, MONDO:0008057, OMIM 160980.

Submission:

Labcorp Genetics (formerly Invitae), Labcorp
Classification: Uncertain significance for Carney complex, type 1. Last evaluated: 2023-04-14. Review status: criteria provided, single submitter. Criteria: Invitae Variant Classification Sherloc (09022015). Collection method: clinical testing. Allele origin: germline.
Comment: In summary, the available evidence is currently insufficient to determine the role of this variant in disease. Therefore, it has been classified as a Variant of Uncertain Significance. Advanced modeling of protein sequence and biophysical properties (such as structural, functional, and spatial information, amino acid conservation, physicochemical variation, residue mobility, and thermodynamic stability) performed at Invitae indicates that this missense variant is not expected to disrupt PRKAR1A protein function. This variant has not been reported in the literature in individuals affected with PRKAR1A-related conditions. This variant is not present in population databases (gnomAD no frequency). This sequence change replaces alanine, which is neutral and non-polar, with valine, which is neutral and non-polar, at codon 301 of the PRKAR1A protein (p.Ala301Val).